The following is an entry in ClinVar:

ClinVar aggregate classification (germline): Uncertain significance. Review status: criteria provided, multiple submitters, no conflicts (2 of 4 stars). 4 submissions from 4 submitters: Uncertain significance (4). Last evaluated 2025-10-20.

Conditions:
Developmental and epileptic encephalopathy, 12 (DEE12). Identifiers: MedGen C3150988, MONDO:0013389, OMIM 613722.

Allele frequency attached by ClinVar (database versions not stated): ESP Exome Variant Server 0.00031; 1000 Genomes Project 0.00040; ExAC 0.00011; 1000 Genomes Project 30x 0.00031; TOPMed 0.00021.
gnomAD v4.1: 110 of 1,611,908 alleles (0.0068%); highest among the groups gnomAD compares: African/African-American, 0.057%; no homozygotes.

Submissions (4):

Labcorp Genetics (formerly Invitae), Labcorp
Classification: Uncertain significance for Developmental and epileptic encephalopathy, 12. Last evaluated: 2025-10-20. Review status: criteria provided, single submitter. Criteria: Invitae Variant Classification Sherloc (09022015). Collection method: clinical testing. Allele origin: germline.
Comment: This sequence change replaces phenylalanine, which is neutral and non-polar, with serine, which is neutral and polar, at codon 1212 of the PLCB1 protein (p.Phe1212Ser). This variant is present in population databases (rs202009902, gnomAD 0.05%). This variant has not been reported in the literature in individuals affected with PLCB1-related conditions. ClinVar contains an entry for this variant (Variation ID: 845852). An algorithm developed to predict the effect of missense changes on protein structure and function (PolyPhen-2) suggests that this variant is likely to be tolerated. In summary, the available evidence is currently insufficient to determine the role of this variant in disease. Therefore, it has been classified as a Variant of Uncertain Significance.

GeneDx
Classification: Uncertain significance. Last evaluated: 2025-05-20. Review status: criteria provided, single submitter. Criteria: GeneDx Variant Classification Process June 2021. Collection method: clinical testing. Allele origin: germline.
Comment: Reported previously in a patient with myelomeningocele; however, no further clinical or segregation information was provided (PMID: 32970752); In silico analysis suggests that this missense variant does not alter protein structure/function; This variant is associated with the following publications: (PMID: 32970752)

New York Genome Center
Classification: Uncertain significance for Developmental and epileptic encephalopathy, 12. Last evaluated: 2020-05-08. Review status: criteria provided, single submitter. Criteria: NYGC Assertion Criteria 2020. Collection method: clinical testing. Allele origin: germline. Observed: 1 heterozygote. Study: CSER-NYCKidSeq.

Breakthrough Genomics
Classification: Uncertain significance. Review status: criteria provided, single submitter. Criteria: ACMG Guidelines, 2015. Collection method: not provided. Allele origin: germline. Inheritance: Autosomal dominant inheritance. Affected: yes.

NM_015192.4(PLCB1):c.3635T>C (p.Phe1212Ser)

Gene: PLCB1 (phospholipase C beta 1; plus strand). Cytogenetic location: 20p12.3.
Variant type: single nucleotide variant.
Coding change: c.3635T>C on transcript NM_015192.4 (MANE Select); coding-DNA position 3635, T replaced by C.
Protein change: p.Phe1212Ser; replaces phenylalanine 1212 with serine.
Molecular consequence: missense variant. On other transcripts: 3 prime UTR variant (1).
Genome position (GRCh38, 1-based): chr20:8,881,833, T>C. VCF-style: chr20-8881833-T-C. GRCh37 (hg19) VCF-style: chr20-8862480-T-C.
Other names: c.*231T>C (NM_182734.3); c.3635T>C (NM_015192.2); short protein forms F1212S.
Identifiers: ClinVar variation 845852 (VCV000845852.10), dbSNP rs202009902, ClinGen allele CA9760668.